The following is an entry in ClinVar:

NM_020971.3(SPTBN4):c.169+1G>A

Gene: SPTBN4 (spectrin beta, non-erythrocytic 4; plus strand). Cytogenetic location: 19q13.2.
Variant type: single nucleotide variant.
Coding change: c.169+1G>A on transcript NM_020971.3 (MANE Select); the canonical splice donor site of the intron after coding-DNA position 169, G replaced by A.
Molecular consequence: splice donor variant.
Genome position (GRCh38, 1-based): chr19:40,472,791, G>A. VCF-style: chr19-40472791-G-A. GRCh37 (hg19) VCF-style: chr19-40978698-G-A.
Identifiers: ClinVar variation 5005993 (VCV005005993.2).

ClinVar aggregate classification (germline): Likely pathogenic (1 of 4 stars; one submission).

Conditions:
Neurodevelopmental disorder with hypotonia, neuropathy, and deafness (NEDHND). Also called: SPTBN4 Disorder; Myopathy, congenital, with neuropathy and deafness. Identifiers: MedGen C4479603, MONDO:0060496, OMIM 617519.

gnomAD v4.1: 1 of 1,494,490 alleles (0.000067%); highest among the groups gnomAD compares: South Asian, 0.0012%; no homozygotes.

Submission:

Juno Genomics, Hangzhou Juno Genomics, Inc
Classification: Likely pathogenic for Neurodevelopmental disorder with hypotonia, neuropathy, and deafness. Review status: criteria provided, single submitter. Criteria: ACMG Guidelines, 2015. Collection method: clinical testing. Allele origin: germline.
Comment: Null variant in a gene where loss of function (LOF) is a known mechanism of disease.;Absent from controls (or at extremely low frequency if recessive) in Genome Aggregation Database.